The following is an entry in ClinVar:

NM_001184.4(ATR):c.1252G>A (p.Glu418Lys)

Gene: ATR (ATR serine/threonine kinase; minus strand). Cytogenetic location: 3q23.
Variant type: single nucleotide variant.
Coding change: c.1252G>A on transcript NM_001184.4 (MANE Select); coding-DNA position 1252, G replaced by A.
Protein change: p.Glu418Lys; replaces glutamic acid 418 with lysine.
Molecular consequence: missense variant.
Genome position (GRCh38, 1-based): chr3:142,561,340, C>T on the plus strand (G>A on the coding strand, the complement: ATR is on the minus strand). VCF-style: chr3-142561340-C-T. GRCh37 (hg19) VCF-style: chr3-142280182-C-T.
Other names: c.1252G>A, p.Glu418Lys (NM_001354579.2); short protein forms E418K.
Identifiers: ClinVar variation 3462851 (VCV003462851.1).

ClinVar aggregate classification (germline): Uncertain significance (1 of 4 stars; one submission).

Conditions:
Inborn genetic diseases. Identifiers: MedGen C0950123, MeSH D030342.

Submission:

Ambry Genetics
Classification: Uncertain significance for Inborn genetic diseases. Last evaluated: 2024-09-30. Review status: criteria provided, single submitter. Criteria: Ambry Variant Classification Scheme 2023. Collection method: clinical testing. Allele origin: germline.
Comment: The p.E418K variant (also known as c.1252G>A), located in coding exon 5 of the ATR gene, results from a G to A substitution at nucleotide position 1252. The glutamic acid at codon 418 is replaced by lysine, an amino acid with similar properties. This amino acid position is conserved. In addition, this alteration is predicted to be tolerated by in silico analysis. Based on the available evidence, the clinical significance of this variant remains unclear.